The following is an entry in ClinVar:

ClinVar aggregate classification (germline): Conflicting classifications of pathogenicity. Review status: criteria provided, conflicting classifications (1 of 4 stars). 4 submissions from 4 submitters: Uncertain significance (3); Likely benign (1). Last evaluated 2026-08-06.

Conditions:
Cardiovascular phenotype. Identifiers: MedGen CN230736.
Arrhythmogenic right ventricular cardiomyopathy (ARVD). Also called: Cardiomyopathy, ARVC; Arrhythmogenic cardiomyopathy; Arrhythmogenic Right Ventricular Cardiomyopathy (ARVC); Arrhythmogenic right ventricular dysplasia. Identifiers: Orphanet 247, MedGen C0349788, MeSH D019571, MONDO:0016587. Disease mechanism: loss of function. Inheritance: Various modes of inheritance.
Arrhythmogenic right ventricular dysplasia 9 (ARVD9). Also called: Arrhythmogenic Right Ventricular Dysplasia/Cardiomyopathy 9; ARRHYTHMOGENIC RIGHT VENTRICULAR DYSPLASIA, FAMILIAL, 9. Identifiers: MedGen C1836906, MONDO:0012180, OMIM 609040.
Cardiomyopathy (CMYO). Also called: Cardiomyopathies. Identifiers: Orphanet 167848, MedGen C0878544, MONDO:0004994, HP:0001638. Inheritance: Various modes of inheritance.

Allele frequency attached by ClinVar (database versions not stated): gnomAD 0.00001; TOPMed 0.00001; gnomAD exomes 0.00004; ExAC 0.00007.
gnomAD v4.1: 56 of 1,613,972 alleles (0.0035%); highest among the groups gnomAD compares: Non-Finnish European, 0.0046%; no homozygotes.

Submissions (4):

Ambry Genetics
Classification: Likely benign for Cardiovascular phenotype. Last evaluated: 2026-08-06. Review status: criteria provided, single submitter. Criteria: Ambry Variant Classification Scheme 2023. Collection method: clinical testing. Allele origin: germline.

Labcorp Genetics (formerly Invitae), Labcorp
Classification: Uncertain significance for Arrhythmogenic right ventricular dysplasia 9. Last evaluated: 2025-11-23. Review status: criteria provided, single submitter. Criteria: Invitae Variant Classification Sherloc (09022015). Collection method: clinical testing. Allele origin: germline.
Comment: This sequence change replaces glutamic acid, which is acidic and polar, with aspartic acid, which is acidic and polar, at codon 138 of the PKP2 protein (p.Glu138Asp). This variant is present in population databases (rs771153426, gnomAD 0.008%). This variant has not been reported in the literature in individuals affected with PKP2-related conditions. ClinVar contains an entry for this variant (Variation ID: 651768). An algorithm developed to predict the effect of missense changes on protein structure and function outputs the following: PolyPhen-2: "Benign". The aspartic acid amino acid residue is found in multiple mammalian species, which suggests that this missense change does not adversely affect protein function. In summary, the available evidence is currently insufficient to determine the role of this variant in disease. Therefore, it has been classified as a Variant of Uncertain Significance.

Color Diagnostics, LLC DBA Color Health
Classification: Uncertain significance for Cardiomyopathy. Last evaluated: 2025-06-04. Review status: criteria provided, single submitter. Criteria: ACMG Guidelines, 2015. Collection method: clinical testing. Allele origin: germline.
Comment: This missense variant replaces glutamic acid with aspartic acid at codon 138 of the PKP2 protein. Computational prediction suggests that this variant may not impact protein structure and function. To our knowledge, functional studies have not been reported for this variant. This variant has been reported in an individual affected with dilated cardiomyopathy (PMID: 31983221). This variant has been identified in 10/251304 chromosomes in the general population by the Genome Aggregation Database (gnomAD). The available evidence is insufficient to determine the role of this variant in disease conclusively. Therefore, this variant is classified as a Variant of Uncertain Significance.

All of Us Research Program, National Institutes of Health
Classification: Uncertain significance for Arrhythmogenic right ventricular cardiomyopathy. Last evaluated: 2024-09-23. Review status: criteria provided, single submitter. Criteria: ACMG Guidelines, 2015. Collection method: clinical testing. Allele origin: germline. Inheritance: Autosomal dominant inheritance. Observed: 4 variant alleles, 4 heterozygotes.
Comment: This missense variant replaces glutamic acid with aspartic acid at codon 138 of the PKP2 protein. Computational prediction suggests that this variant may not impact protein structure and function (internally defined REVEL score threshold <= 0.5, PMID: 27666373). To our knowledge, functional studies have not been reported for this variant. This variant has not been reported in individuals affected with cardiovascular disorders in the literature. This variant has been identified in 10/251304 chromosomes in the general population by the Genome Aggregation Database (gnomAD). The available evidence is insufficient to determine the role of this variant in disease conclusively. Therefore, this variant is classified as a Variant of Uncertain Significance.

This study involves interpretation of variants in research participants for the purpose of population health screening. Participant phenotype was not available at the time of variant classification. Additional details can be found in publication PMID: 35346344, PMCID: PMC8962531

Literature cited by the submitters: PubMed 31983221 (cited by Color Diagnostics, LLC DBA Color Health).

NM_001005242.3(PKP2):c.414A>T (p.Glu138Asp)

Gene: PKP2 (plakophilin 2; minus strand). Cytogenetic location: 12p11.21.
Variant type: single nucleotide variant.
Coding change: c.414A>T on transcript NM_001005242.3 (MANE Select); coding-DNA position 414, A replaced by T.
Protein change: p.Glu138Asp; replaces glutamic acid 138 with aspartic acid.
Molecular consequence: missense variant.
Genome position (GRCh38, 1-based): chr12:32,878,466, T>A on the plus strand (A>T on the coding strand, the complement: PKP2 is on the minus strand). VCF-style: chr12-32878466-T-A. GRCh37 (hg19) VCF-style: chr12-33031400-T-A.
Other names: c.414A>T, p.Glu138Asp (NM_004572.4); short protein forms E138D.
Identifiers: ClinVar variation 651768 (VCV000651768.15), dbSNP rs771153426, ClinGen allele CA037316.
Genomic context (GRCh38, chr12:32,878,466, plus strand): 5'-CCTCTCCGGGCTGCTGTCAGGAGAAATCTCCAGTCTCCTCAGAGGATGCCTCAAGGACCT[T>A]TCTTCCACGGACTTCTGGGAGCTGTACTGTGCTGTTCCTCTTCCCCAGCGACCTTCATAA-3'
Protein context (NP_001005242.2, residues 128-148): AQYSSQKSVE[Glu138Asp]RSLRHPLRRL